The following is an entry in ClinVar:

NM_000497.4(CYP11B1):c.1303G>A (p.Gly435Ser)

Genes: CYP11B1 (cytochrome P450 family 11 subfamily B member 1; minus strand), LOC106799833 (CYP11B1 recombination region; plus strand). Cytogenetic location: 8q24.3.
Variant type: single nucleotide variant.
Coding change: c.1303G>A on transcript NM_000497.4 (MANE Select); coding-DNA position 1303, G replaced by A.
Protein change: p.Gly435Ser; replaces glycine 435 with serine.
Molecular consequence: missense variant. On other transcripts: intron variant (1).
Genome position (GRCh38, 1-based): chr8:142,875,052, C>T on the plus strand (G>A on the coding strand, the complement: CYP11B1 is on the minus strand). VCF-style: chr8-142875052-C-T. GRCh37 (hg19) VCF-style: chr8-143956468-C-T.
Other names: c.1200+182G>A (NM_001026213.1); short protein forms G435S.
Identifiers: ClinVar variation 1904235 (VCV001904235.3), dbSNP rs375224541, ClinGen allele CA4905023.

ClinVar aggregate classification (germline): Uncertain significance. Review status: criteria provided, multiple submitters, no conflicts (2 of 4 stars). 2 submissions from 2 submitters: Uncertain significance (2). Last evaluated 2024-03-27.

Conditions:
Deficiency of steroid 11-beta-monooxygenase (CYP11B1). Also called: 11-BETA-HYDROXYLASE DEFICIENCY; ADRENAL HYPERPLASIA, CONGENITAL, DUE TO STEROID 11-BETA-HYDROXYLASE DEFICIENCY; STEROID 11-BETA-HYDROXYLASE DEFICIENCY; ADRENAL HYPERPLASIA IV; Congenital adrenal hyperplasia due to 11-beta-hydroxylase deficiency; P450C11B1 DEFICIENCY. Identifiers: Orphanet 90795, MedGen C0268292, MONDO:0008729, OMIM 202010. Disease mechanism: loss of function.
Glucocorticoid-remediable aldosteronism. Also called: ACTH-DEPENDENT HYPERALDOSTERONISM SYNDROME; ALDOSTERONISM, SENSITIVE TO DEXAMETHASONE; Hyperaldosteronism, familial, type I; FH I; GLUCOCORTICOID-SUPPRESSIBLE HYPERALDOSTERONISM. Identifiers: Orphanet 403, MedGen C3838731, MONDO:0007080, OMIM 103900.

Allele frequency attached by ClinVar (database versions not stated): ExAC 0.00001; gnomAD 0.00003; TOPMed 0.00005; ESP Exome Variant Server 0.00008.

Submissions (2):

Fulgent Genetics
Classification: Uncertain significance for Glucocorticoid-remediable aldosteronism; Deficiency of steroid 11-beta-monooxygenase. Last evaluated: 2024-03-27. Review status: criteria provided, single submitter. Criteria: ACMG Guidelines, 2015. Collection method: clinical testing. Allele origin: germline.

Labcorp Genetics (formerly Invitae), Labcorp
Classification: Uncertain significance. Last evaluated: 2022-04-07. Review status: criteria provided, single submitter. Criteria: Invitae Variant Classification Sherloc (09022015). Collection method: clinical testing. Allele origin: germline.
Comment: This sequence change replaces glycine, which is neutral and non-polar, with serine, which is neutral and polar, at codon 435 of the CYP11B1 protein (p.Gly435Ser). This variant is present in population databases (rs375224541, gnomAD 0.008%). This variant has not been reported in the literature in individuals affected with CYP11B1-related conditions. Advanced modeling of protein sequence and biophysical properties (such as structural, functional, and spatial information, amino acid conservation, physicochemical variation, residue mobility, and thermodynamic stability) performed at Invitae indicates that this missense variant is not expected to disrupt CYP11B1 protein function. In summary, the available evidence is currently insufficient to determine the role of this variant in disease. Therefore, it has been classified as a Variant of Uncertain Significance.